The following is an entry in ClinVar:

ClinVar aggregate classification (germline): Uncertain significance (1 of 4 stars; one submission).

Allele frequency attached by ClinVar (database versions not stated): gnomAD 0.00001.
gnomAD v4.1: 2 of 1,612,590 alleles (0.00012%); highest among the groups gnomAD compares: East Asian, 0.0022%; no homozygotes.

Submission:

Labcorp Genetics (formerly Invitae), Labcorp
Classification: Uncertain significance. Last evaluated: 2024-11-01. Review status: criteria provided, single submitter. Criteria: Invitae Variant Classification Sherloc (09022015). Collection method: clinical testing. Allele origin: germline.
Comment: This sequence change replaces alanine, which is neutral and non-polar, with serine, which is neutral and polar, at codon 863 of the LONP1 protein (p.Ala863Ser). The frequency data for this variant in the population databases is considered unreliable, as metrics indicate poor data quality at this position in the gnomAD database. This variant has not been reported in the literature in individuals affected with LONP1-related conditions. ClinVar contains an entry for this variant (Variation ID: 1502694). Invitae Evidence Modeling of protein sequence and biophysical properties (such as structural, functional, and spatial information, amino acid conservation, physicochemical variation, residue mobility, and thermodynamic stability) indicates that this missense variant is not expected to disrupt LONP1 protein function with a negative predictive value of 95%. In summary, the available evidence is currently insufficient to determine the role of this variant in disease. Therefore, it has been classified as a Variant of Uncertain Significance.

NM_004793.4(LONP1):c.2587G>T (p.Ala863Ser)

Gene: LONP1 (lon peptidase 1, mitochondrial; minus strand). Cytogenetic location: 19p13.3.
Variant type: single nucleotide variant.
Coding change: c.2587G>T on transcript NM_004793.4 (MANE Select); coding-DNA position 2587, G replaced by T.
Protein change: p.Ala863Ser; replaces alanine 863 with serine.
Molecular consequence: missense variant. On other transcripts: non-coding transcript variant (1).
Genome position (GRCh38, 1-based): chr19:5,693,414, C>A on the plus strand (G>T on the coding strand, the complement: LONP1 is on the minus strand). VCF-style: chr19-5693414-C-A. GRCh37 (hg19) VCF-style: chr19-5693425-C-A.
Other names: c.2395G>T, p.Ala799Ser (NM_001276479.2); c.1999G>T, p.Ala667Ser (NM_001276480.1); short protein forms A799S, A863S, A667S.
Identifiers: ClinVar variation 1502694 (VCV001502694.6), dbSNP rs1221324102, ClinGen allele CA403525833.
Genomic context (GRCh38, chr19:5,693,414, plus strand): 5'-CTTCGCCAGTCATGGCCAGATTCTGCCGGACAGGCCTGCCCATGGCCAGGGACAGCAGGG[C>A]CGTGACGATGGTGCAGCCTGCGCTTGGGCCGTCCTTGGGGGTGGCGCCCTGTGGAGGCAT-3'
Protein context (NP_004784.2, residues 853-873): GPSAGCTIVT[Ala863Ser]LLSLAMGRPV